The following is an entry in ClinVar:

ClinVar aggregate classification (germline): Likely benign (0 of 4 stars; one submission).

Conditions:
FH-related disorder. Also called: FH-related condition; FH-related disorders.

Submission:

PreventionGenetics, part of Exact Sciences
Classification: Likely benign for FH-related condition. Last evaluated: 2023-10-24. Review status: no assertion criteria provided. Collection method: clinical testing. Allele origin: germline.
Comment: This variant is classified as likely benign based on ACMG/AMP sequence variant interpretation guidelines (Richards et al. 2015 PMID: 25741868, with internal and published modifications).

NM_000143.4(FH):c.1237-15_1237-14insCTCA

Gene: FH (fumarate hydratase; minus strand). Cytogenetic location: 1q43.
Variant type: Insertion.
Coding change: c.1237-15_1237-14insCTCA on transcript NM_000143.4 (MANE Select); 15 bases into the intron before coding-DNA position 1237 through 14 bases into the intron before coding-DNA position 1237, CTCA inserted.
Molecular consequence: intron variant.
Genome position: GRCh38 VCF-style: chr1-241500604-A-AGAGT. GRCh37 (hg19) VCF-style: chr1-241663904-A-AGAGT.
Identifiers: ClinVar variation 3034785 (VCV003034785.2), dbSNP rs748406682, ClinGen allele CA1478498.